The following is an entry in ClinVar:

NM_002474.3(MYH11):c.4195A>G (p.Lys1399Glu)

Genes: MYH11 (myosin heavy chain 11; minus strand), NDE1 (nudE neurodevelopment protein 1; plus strand). Cytogenetic location: 16p13.11.
Variant type: single nucleotide variant.
Coding change: c.4195A>G on transcript NM_002474.3 (MANE Select); coding-DNA position 4195, A replaced by G.
Protein change: p.Lys1399Glu; replaces lysine 1399 with glutamic acid.
Molecular consequence: missense variant. On other transcripts: 3 prime UTR variant (2).
Genome position (GRCh38, 1-based): chr16:15,724,331, T>C on the plus strand (A>G on the coding strand, the complement: MYH11 is on the minus strand). VCF-style: chr16-15724331-T-C. GRCh37 (hg19) VCF-style: chr16-15818188-T-C.
Other names: c.4216A>G, p.Lys1406Glu (NM_001040113.2, NM_001040114.2); c.4195A>G, p.Lys1399Glu (NM_022844.3); c.*80T>C (NM_001143979.2, NM_017668.3); short protein forms K1399E, K1406E.
Identifiers: ClinVar variation 4885929 (VCV004885929.2).

ClinVar aggregate classification (germline): Uncertain significance (1 of 4 stars; one submission).

Submission:

Dasa
Classification: Uncertain significance. Last evaluated: 2025-11-06. Review status: criteria provided, single submitter. Criteria: DASA Assertion Criteria. Collection method: clinical testing. Allele origin: germline.
Comment: NM_002474.3(MYH11):c.4195A>G (p.Lys1399Glu) is a missense variant that results in the substitution of lysine with glutamic acid. This variant is absent from population databases. The currently available literature and clinical evidence are not sufficient to establish a definitive association between this variant and the reported condition. Therefore, this variant is classified as a variant of uncertain significance.